The following is an entry in ClinVar:

NM_000238.4(KCNH2):c.656A>T (p.Asp219Val)

Gene: KCNH2 (potassium voltage-gated channel subfamily H member 2; minus strand). Cytogenetic location: 7q36.1.
Variant type: single nucleotide variant.
Coding change: c.656A>T on transcript NM_000238.4 (MANE Select); coding-DNA position 656, A replaced by T.
Protein change: p.Asp219Val; replaces aspartic acid 219 with valine.
Molecular consequence: missense variant.
Genome position (GRCh38, 1-based): chr7:150,958,319, T>A on the plus strand (A>T on the coding strand, the complement: KCNH2 is on the minus strand). VCF-style: chr7-150958319-T-A. GRCh37 (hg19) VCF-style: chr7-150655407-T-A.
Other names: c.368A>T, p.Asp123Val (NM_001406753.1, NM_001406756.1); c.479A>T, p.Asp160Val (NM_001406755.1); c.356A>T, p.Asp119Val (NM_001406757.1); c.656A>T, p.Asp219Val (NM_172056.3); short protein forms D219V, D160V, D119V, D123V.
Identifiers: ClinVar variation 157662 (VCV000157662.15), dbSNP rs587777907, ClinGen allele CA008651.

ClinVar aggregate classification (germline): Uncertain significance. Review status: criteria provided, multiple submitters, no conflicts (2 of 4 stars). 5 submissions from 5 submitters: Uncertain significance (4). 1 of the submissions does not count toward it. Last evaluated 2026-05-04.

Conditions:
Cardiovascular phenotype. Identifiers: MedGen CN230736.
Long QT syndrome (LQTS). Identifiers: MedGen C0023976, MeSH D008133, MONDO:0002442. Disease mechanism: loss of function. Inheritance: Various modes of inheritance.
Long QT syndrome 2 (LQT2). Identifiers: Orphanet 101016, Orphanet 768, MedGen C3150943, MONDO:0013367, OMIM 613688.

Allele frequency attached by ClinVar (database versions not stated): gnomAD exomes 0.00001 and 0.00002; ExAC 0.00017.
gnomAD v4.1: 11 of 1,487,770 alleles (0.00074%); highest among the groups gnomAD compares: South Asian, 0.013%; no homozygotes.

Submissions (5):

Ambry Genetics
Classification: Uncertain significance for Cardiovascular phenotype. Last evaluated: 2026-05-04. Review status: criteria provided, single submitter. Criteria: Ambry Variant Classification Scheme 2023. Collection method: clinical testing. Allele origin: germline.
Comment: The p.D219V variant (also known as c.656A>T), located in coding exon 4 of the KCNH2 gene, results from an A to T substitution at nucleotide position 656. The aspartic acid at codon 219 is replaced by valine, an amino acid with highly dissimilar properties. This variant was reported in individual(s) with features consistent with long QT syndrome (Osterbur ML et al. Hum Mutat, 2015 Aug;36:764-73). In an assay testing KCNH2 function, this variant showed a functionally abnormal result (Osterbur ML et al. Hum Mutat, 2015 Aug;36:764-73). This amino acid position is not well conserved in available vertebrate species. In addition, the in silico prediction for this alteration is inconclusive. Based on the available evidence, the clinical significance of this variant remains unclear.

Labcorp Genetics (formerly Invitae), Labcorp
Classification: Uncertain significance for Long QT syndrome. Last evaluated: 2025-01-19. Review status: criteria provided, single submitter. Criteria: Invitae Variant Classification Sherloc (09022015). Collection method: clinical testing. Allele origin: germline.
Comment: This sequence change replaces aspartic acid, which is acidic and polar, with valine, which is neutral and non-polar, at codon 219 of the KCNH2 protein (p.Asp219Val). The frequency data for this variant in the population databases is considered unreliable, as metrics indicate poor data quality at this position in the gnomAD database. This missense change has been observed in individual(s) with long QT syndrome (PMID: 25914329). ClinVar contains an entry for this variant (Variation ID: 157662). An algorithm developed to predict the effect of missense changes on protein structure and function (PolyPhen-2) suggests that this variant is likely to be tolerated. Experimental studies have shown that this missense change affects KCNH2 function (PMID: 25914329). In summary, the available evidence is currently insufficient to determine the role of this variant in disease. Therefore, it has been classified as a Variant of Uncertain Significance.

Blueprint Genetics
Classification: Uncertain significance. Last evaluated: 2024-05-06. Review status: criteria provided, single submitter. Criteria: ACMG Guidelines, 2015. Collection method: clinical testing. Allele origin: germline.

Dept of Medical Biology, Uskudar University
Classification: Uncertain significance for Long QT syndrome. Last evaluated: 2024-01-08. Review status: criteria provided, single submitter. Criteria: Dept of Medical Biology Variant Classification. Collection method: research. Allele origin: unknown. Affected: yes. Observed: 1 variant allele.
Comment: Criteria: PM2, PP2

McDonald Lab; Albert Einstein College of Medicine
Classification: Pathogenic for Long QT syndrome 2. Review status: no assertion criteria provided. Criteria: Submitter's publication. Collection method: research. Allele origin: unknown. Not counted in ClinVar's aggregate classification.

Literature cited by the submitters: PubMed 25914329 (cited by Ambry Genetics and Labcorp Genetics (formerly Invitae), Labcorp).